The following is an entry in ClinVar:

ClinVar aggregate classification (germline): Likely benign. Review status: criteria provided, multiple submitters, no conflicts (2 of 4 stars). 9 submissions from 9 submitters: Likely benign (5). 4 of the submissions do not count toward it. Last evaluated 2025-04-09.

Conditions:
FHOD3-related disorder. Also called: FHOD3-related condition.
Hypertrophic cardiomyopathy. Also called: HYPERTROPHIC MYOCARDIOPATHY. Identifiers: Orphanet 217569, MedGen C0007194, MeSH D002312, MONDO:0005045, HP:0001639.

Allele frequency attached by ClinVar (database versions not stated): 1000 Genomes Project 30x 0.00125; 1000 Genomes Project 0.00140; ExAC 0.00150; gnomAD exomes 0.00175; TOPMed 0.00192; gnomAD 0.00203 and 0.00211; ESP Exome Variant Server 0.00215.
gnomAD v4.1: 5,011 of 1,613,828 alleles (0.31%); highest among the groups gnomAD compares: Non-Finnish European, 0.39%; 14 homozygotes.

Submissions (9):

Molecular Diagnostic Laboratory for Inherited Cardiovascular Disease, Montreal Heart Institute
Classification: Likely benign. Last evaluated: 2025-04-09. Review status: criteria provided, single submitter. Criteria: ACMG Guidelines, 2015. Collection method: clinical testing. Allele origin: germline. Affected: no.

Blueprint Genetics
Classification: Likely benign. Last evaluated: 2024-11-28. Review status: criteria provided, single submitter. Criteria: ACMG Guidelines, 2015. Collection method: clinical testing. Allele origin: germline.

CeGaT Center for Human Genetics Tuebingen
Classification: Likely benign. Last evaluated: 2023-12-01. Review status: criteria provided, single submitter. Criteria: CeGaT Center For Human Genetics Tuebingen Variant Classification Criteria Version 2. Collection method: clinical testing. Allele origin: germline. Affected: yes. Observed: 4 variant alleles.
Comment: FHOD3: PM5, BS1

Labcorp Genetics (formerly Invitae), Labcorp
Classification: Likely benign. Last evaluated: 2019-12-31. Review status: criteria provided, single submitter. Criteria: Invitae Variant Classification Sherloc (09022015). Collection method: clinical testing. Allele origin: germline.

Breakthrough Genomics
Classification: Likely benign. Review status: criteria provided, single submitter. Criteria: ACMG Guidelines, 2015. Collection method: not provided. Allele origin: germline. Inheritance: Autosomal dominant inheritance. Affected: yes.

PreventionGenetics, part of Exact Sciences
Classification: Likely benign for FHOD3-related condition. Last evaluated: 2022-04-04. Review status: no assertion criteria provided. Collection method: clinical testing. Allele origin: germline. Not counted in ClinVar's aggregate classification.
Comment: This variant is classified as likely benign based on ACMG/AMP sequence variant interpretation guidelines (Richards et al. 2015 PMID: 25741868, with internal and published modifications).

Clinical Genetics DNA and cytogenetics Diagnostics Lab, Erasmus MC, Erasmus Medical Center
Classification: Likely benign. Review status: no assertion criteria provided. Collection method: clinical testing. Allele origin: germline. Affected: yes. Study: VKGL Data-share Consensus. Not counted in ClinVar's aggregate classification.

Diagnostic Laboratory, Department of Genetics, University Medical Center Groningen
Classification: Likely benign. Review status: no assertion criteria provided. Collection method: clinical testing. Allele origin: germline. Affected: yes. Study: VKGL Data-share Consensus. Not counted in ClinVar's aggregate classification.

Zaffran Lab, Genetics of Cardiac Diseases Laboratory, Marseille Medical Genetics
Classification: Uncertain significance for hypertrophic cardiomyopathy. Review status: no assertion criteria provided. Collection method: research. Allele origin: unknown. Affected: yes. Not counted in ClinVar's aggregate classification.

NM_001281740.3(FHOD3):c.1910G>A (p.Arg637Gln)

Gene: FHOD3 (formin homology 2 domain containing 3; plus strand). Cytogenetic location: 18q12.2.
Variant type: single nucleotide variant.
Coding change: c.1910G>A on transcript NM_001281740.3 (MANE Select); coding-DNA position 1910, G replaced by A.
Protein change: p.Arg637Gln; replaces arginine 637 with glutamine.
Molecular consequence: missense variant.
Genome position (GRCh38, 1-based): chr18:36,681,510, G>A. VCF-style: chr18-36681510-G-A. GRCh37 (hg19) VCF-style: chr18-34261473-G-A.
Other names: c.1910G>A (NM_001281740.2); c.1385G>A, p.Arg462Gln (NM_001281739.3, NM_025135.5); short protein forms R462Q, R637Q.
Identifiers: ClinVar variation 718054 (VCV000718054.36), dbSNP rs151313792, ClinGen allele CA8941694.
Genomic context (GRCh38, chr18:36,681,510, plus strand): 5'-GTCTTCTCACATCATCCTTCAGGCAGCACCAAGAGTCACTGGCAGCAGAGAGAGAGAGGC[G>A]GCGGCAGGAGAGAGAAGAAAGGTTGCAGAGAATAGAGCGGGAAGAAAGAAACAAATTCAG-3'
Protein context (NP_001268669.1, residues 627-647): QESLAAERER[Arg637Gln]RQEREERLQR